The following is an entry in ClinVar:

NM_001364905.1(LRBA):c.627T>G (p.Phe209Leu)

Gene: LRBA (LPS responsive beige-like anchor protein; minus strand). Cytogenetic location: 4q31.3.
Variant type: single nucleotide variant.
Coding change: c.627T>G on transcript NM_001364905.1 (MANE Select); coding-DNA position 627, T replaced by G.
Protein change: p.Phe209Leu; replaces phenylalanine 209 with leucine.
Molecular consequence: missense variant.
Genome position (GRCh38, 1-based): chr4:150,921,216, A>C on the plus strand (T>G on the coding strand, the complement: LRBA is on the minus strand). VCF-style: chr4-150921216-A-C. GRCh37 (hg19) VCF-style: chr4-151842368-A-C.
Other names: c.627T>G, p.Phe209Leu (NM_001199282.3, NM_001367550.1, NM_006726.5); short protein forms F209L.
Identifiers: ClinVar variation 1038998 (VCV001038998.8), dbSNP rs1439493221, ClinGen allele CA358437211.

ClinVar aggregate classification (germline): Uncertain significance (1 of 4 stars; one submission).

Conditions:
Combined immunodeficiency due to LRBA deficiency. Also called: Common variable immunodeficiency 8, with autoimmunity. Identifiers: Orphanet 445018, MedGen C3553512, MONDO:0013863, OMIM 614700.

Allele frequency attached by ClinVar (database versions not stated): TOPMed below 0.00001.

Submission:

Labcorp Genetics (formerly Invitae), Labcorp
Classification: Uncertain significance for Combined immunodeficiency due to LRBA deficiency. Last evaluated: 2020-09-16. Review status: criteria provided, single submitter. Criteria: Invitae Variant Classification Sherloc (09022015). Collection method: clinical testing. Allele origin: germline.
Comment: In summary, the available evidence is currently insufficient to determine the role of this variant in disease. Therefore, it has been classified as a Variant of Uncertain Significance. Algorithms developed to predict the effect of missense changes on protein structure and function are either unavailable or do not agree on the potential impact of this missense change (SIFT: "Tolerated"; PolyPhen-2: "Probably Damaging"; Align-GVGD: "Class C0"). This variant has not been reported in the literature in individuals with LRBA-related conditions. This variant is not present in population databases (ExAC no frequency). This sequence change replaces phenylalanine with leucine at codon 209 of the LRBA protein (p.Phe209Leu). The phenylalanine residue is moderately conserved and there is a small physicochemical difference between phenylalanine and leucine.